The following is an entry in ClinVar:

NM_014915.3(ANKRD26):c.4834G>C (p.Val1612Leu)

Gene: ANKRD26 (ankyrin repeat domain 26; minus strand). Cytogenetic location: 10p12.1.
Variant type: single nucleotide variant.
Coding change: c.4834G>C on transcript NM_014915.3 (MANE Select); coding-DNA position 4834, G replaced by C.
Protein change: p.Val1612Leu; replaces valine 1612 with leucine.
Molecular consequence: missense variant.
Genome position (GRCh38, 1-based): chr10:27,013,001, C>G on the plus strand (G>C on the coding strand, the complement: ANKRD26 is on the minus strand). VCF-style: chr10-27013001-C-G. GRCh37 (hg19) VCF-style: chr10-27301930-C-G.
Other names: c.4831G>C, p.Val1611Leu (NM_001256053.2); short protein forms V1611L, V1612L.
Identifiers: ClinVar variation 3717391 (VCV003717391.3).

ClinVar aggregate classification (germline): Uncertain significance. Review status: criteria provided, multiple submitters, no conflicts (2 of 4 stars). 2 submissions from 2 submitters: Uncertain significance (2). Last evaluated 2025-09-10.

Conditions:
Inborn genetic diseases. Identifiers: MedGen C0950123, MeSH D030342.

Submissions (2):

Labcorp Genetics (formerly Invitae), Labcorp
Classification: Uncertain significance. Last evaluated: 2025-09-10. Review status: criteria provided, single submitter. Criteria: Invitae Variant Classification Sherloc (09022015). Collection method: clinical testing. Allele origin: germline.
Comment: This sequence change replaces valine, which is neutral and non-polar, with leucine, which is neutral and non-polar, at codon 1612 of the ANKRD26 protein (p.Val1612Leu). This variant is not present in population databases (gnomAD no frequency). This variant has not been reported in the literature in individuals affected with ANKRD26-related conditions. ClinVar contains an entry for this variant (Variation ID: 3717391). An algorithm developed to predict the effect of missense changes on protein structure and function (PolyPhen-2) suggests that this variant is likely to be tolerated. In summary, the available evidence is currently insufficient to determine the role of this variant in disease. Therefore, it has been classified as a Variant of Uncertain Significance.

Ambry Genetics
Classification: Uncertain significance for Inborn genetic diseases. Last evaluated: 2025-05-16. Review status: criteria provided, single submitter. Criteria: Ambry Variant Classification Scheme 2023. Collection method: clinical testing. Allele origin: germline.
Comment: The p.V1612L variant (also known as c.4834G>C), located in coding exon 32 of the ANKRD26 gene, results from a G to C substitution at nucleotide position 4834. The valine at codon 1612 is replaced by leucine, an amino acid with highly similar properties. This amino acid position is conserved. In addition, this alteration is predicted to be tolerated by in silico analysis. Based on the available evidence, the clinical significance of this variant remains unclear.